The following is an entry in ClinVar:

ClinVar aggregate classification (germline): Uncertain significance (1 of 4 stars; one submission).

gnomAD v4.1: 11 of 1,614,144 alleles (0.00068%); highest among the groups gnomAD compares: South Asian, 0.0033%; no homozygotes.

Submission:

Labcorp Genetics (formerly Invitae), Labcorp
Classification: Uncertain significance. Last evaluated: 2024-05-09. Review status: criteria provided, single submitter. Criteria: Invitae Variant Classification Sherloc (09022015). Collection method: clinical testing. Allele origin: germline.
Comment: This sequence change replaces isoleucine, which is neutral and non-polar, with valine, which is neutral and non-polar, at codon 1193 of the SNRNP200 protein (p.Ile1193Val). This variant is present in population databases (rs762877215, gnomAD 0.006%). This variant has not been reported in the literature in individuals affected with SNRNP200-related conditions. Advanced modeling of protein sequence and biophysical properties (such as structural, functional, and spatial information, amino acid conservation, physicochemical variation, residue mobility, and thermodynamic stability) performed at Invitae indicates that this missense variant is not expected to disrupt SNRNP200 protein function with a negative predictive value of 80%. In summary, the available evidence is currently insufficient to determine the role of this variant in disease. Therefore, it has been classified as a Variant of Uncertain Significance.

NM_014014.5(SNRNP200):c.3577A>G (p.Ile1193Val)

Gene: SNRNP200 (small nuclear ribonucleoprotein U5 subunit 200; minus strand). Cytogenetic location: 2q11.2.
Variant type: single nucleotide variant.
Coding change: c.3577A>G on transcript NM_014014.5 (MANE Select); coding-DNA position 3577, A replaced by G.
Protein change: p.Ile1193Val; replaces isoleucine 1193 with valine.
Molecular consequence: missense variant.
Genome position (GRCh38, 1-based): chr2:96,287,068, T>C on the plus strand (A>G on the coding strand, the complement: SNRNP200 is on the minus strand). VCF-style: chr2-96287068-T-C. GRCh37 (hg19) VCF-style: chr2-96952806-T-C.
Other names: short protein forms I1193V.
Identifiers: ClinVar variation 3700316 (VCV003700316.2).
Genomic context (GRCh38, chr2:96,287,068, plus strand): 5'-TTTCATCCCACTGGAAGTCTGGCGTGATGGTCAGCTCCACCTTCAGGGTGGAGCGTGTGA[T>C]AGGCTGCAGGTGCACTGACAACTCCAACTTGGGAAACAGATGGACATATTTGTGGATGGT-3'
Protein context (NP_054733.2, residues 1183-1203): KLELSVHLQP[Ile1193Val]TRSTLKVELT